The following is an entry in ClinVar:

ClinVar aggregate classification (germline): Pathogenic (1 of 4 stars; one submission).

Conditions:
Hypokalemic periodic paralysis, type 1. Also called: HypoPP; Hypokalemic Periodic Paralysis Type 1 (AD). Identifiers: Orphanet 681, MedGen C3714580, MONDO:0042979, OMIM 170400.
Malignant hyperthermia, susceptibility to, 5 (MHS5). Also called: CACNA1S-Related Malignant Hyperthermia Susceptibility. Identifiers: Orphanet 423, MedGen C1866077, MONDO:0011163, OMIM 601887.

Submission:

Labcorp Genetics (formerly Invitae), Labcorp
Classification: Pathogenic for Hypokalemic periodic paralysis, type 1; Malignant hyperthermia, susceptibility to, 5. Last evaluated: 2022-07-11. Review status: criteria provided, single submitter. Criteria: Invitae Variant Classification Sherloc (09022015). Collection method: clinical testing. Allele origin: germline.
Comment: For these reasons, this variant has been classified as Pathogenic. ClinVar contains an entry for this variant (Variation ID: 541039). This variant has not been reported in the literature in individuals affected with CACNA1S-related conditions. This variant is not present in population databases (gnomAD no frequency). This sequence change creates a premature translational stop signal (p.Ile189Serfs*145) in the CACNA1S gene. It is expected to result in an absent or disrupted protein product. Loss-of-function variants in CACNA1S are known to be pathogenic (PMID: 26247046, 28012042).

Literature cited by the submitters: PubMed 26247046; PubMed 28012042.

NM_000069.3(CACNA1S):c.564del (p.Ile189fs)

Gene: CACNA1S (calcium voltage-gated channel subunit alpha1 S; minus strand). Cytogenetic location: 1q32.1.
Variant type: Deletion.
Coding change: c.564del on transcript NM_000069.3 (MANE Select); coding-DNA position 564, one base deleted (C; older notation c.564delC).
Protein change: p.Ile189fs; shifts the reading frame from isoleucine 189.
Molecular consequence: frameshift variant.
Genome position (GRCh38, 1-based): chr1:201,091,770, G deleted on the plus strand (C on the coding strand, the reverse complement: CACNA1S is on the minus strand); the first of 2 consecutive G bases (chr1:201,091,770-201,091,771); deleting either gives the same sequence. VCF-style (leftmost placement, unchanged base first): chr1-201091769-TG-T. GRCh37 (hg19) VCF-style: chr1-201060897-TG-T.
Other names: short protein forms I189fs.
Identifiers: ClinVar variation 541039 (VCV000541039.7), dbSNP rs1553252746, ClinGen allele CA658795585.
Genomic context (GRCh38, chr1:201,091,769, plus strand): 5'-TGATGACCATAAAGAGGACCAGCAGGGCGATGTGAAAGAGGGGGAGCATGGCCTTGAAGA[TG>T]GAGTTCAGGACCACCTGCAGGCCTGCAGAGGCAGGCAGGGAAGGGAAAAGAGGAGTCGCC-3'